The following is an entry in ClinVar:

ClinVar aggregate classification (germline): Uncertain significance. Review status: criteria provided, multiple submitters, no conflicts (2 of 4 stars). 2 submissions from 2 submitters: Uncertain significance (2). Last evaluated 2025-11-04.

Conditions:
Inborn genetic diseases. Identifiers: MedGen C0950123, MeSH D030342.

Allele frequency attached by ClinVar (database versions not stated): TOPMed 0.00002; ExAC 0.00003; gnomAD exomes 0.00003; gnomAD 0.00003.
gnomAD v4.1: 30 of 1,612,408 alleles (0.0019%); highest among the groups gnomAD compares: Non-Finnish European, 0.002%; 1 homozygote.

Submissions (2):

Labcorp Genetics (formerly Invitae), Labcorp
Classification: Uncertain significance. Last evaluated: 2025-11-04. Review status: criteria provided, single submitter. Criteria: Invitae Variant Classification Sherloc (09022015). Collection method: clinical testing. Allele origin: germline.
Comment: This sequence change replaces arginine, which is basic and polar, with glutamine, which is neutral and polar, at codon 1260 of the NLRP1 protein (p.Arg1260Gln). This variant is present in population databases (rs776215822, gnomAD 0.006%). This variant has not been reported in the literature in individuals affected with NLRP1-related conditions. ClinVar contains an entry for this variant (Variation ID: 2067257). An algorithm developed to predict the effect of missense changes on protein structure and function outputs the following: PolyPhen-2: "Benign". The glutamine amino acid residue is found in multiple mammalian species, which suggests that this missense change does not adversely affect protein function. In summary, the available evidence is currently insufficient to determine the role of this variant in disease. Therefore, it has been classified as a Variant of Uncertain Significance.

Ambry Genetics
Classification: Uncertain significance for Inborn genetic diseases. Last evaluated: 2022-08-08. Review status: criteria provided, single submitter. Criteria: Ambry Variant Classification Scheme 2023. Collection method: clinical testing. Allele origin: germline.

NM_033004.4(NLRP1):c.3779G>A (p.Arg1260Gln)

Gene: NLRP1 (NLR family pyrin domain containing 1; minus strand). Cytogenetic location: 17p13.2.
Variant type: single nucleotide variant.
Coding change: c.3779G>A on transcript NM_033004.4 (MANE Select); coding-DNA position 3779, G replaced by A.
Protein change: p.Arg1260Gln; replaces arginine 1260 with glutamine.
Molecular consequence: missense variant.
Genome position (GRCh38, 1-based): chr17:5,521,528, C>T on the plus strand (G>A on the coding strand, the complement: NLRP1 is on the minus strand). VCF-style: chr17-5521528-C-T. GRCh37 (hg19) VCF-style: chr17-5424848-C-T.
Other names: c.3791G>A, p.Arg1264Gln (NM_001033053.3); c.3779G>A, p.Arg1260Gln (NM_014922.5); c.3689G>A, p.Arg1230Gln (NM_033006.4, NM_033007.4); short protein forms R1230Q, R1264Q, R1260Q.
Identifiers: ClinVar variation 2067257 (VCV002067257.5), dbSNP rs776215822, ClinGen allele CA8326754.